The following is an entry in ClinVar:

ClinVar aggregate classification (germline): Uncertain significance (1 of 4 stars; one submission).

Submission:

Dasa
Classification: Uncertain significance. Last evaluated: 2025-08-17. Review status: criteria provided, single submitter. Criteria: DASA Assertion Criteria. Collection method: clinical testing. Allele origin: germline.
Comment: NM_001360016.2(G6PD):c.1073G>T (p.Cys358Phe) is a missense variant that results in the substitution of cysteine with phenylalanine. This variant is absent from population databases. Computational prediction algorithms are consistent with a deleterious effect. The currently available literature and clinical evidence are not sufficient to establish a definitive association between this variant and the reported condition. Therefore, this variant is classified as a variant of uncertain significance.

NM_001360016.2(G6PD):c.1073G>T (p.Cys358Phe)

Gene: G6PD (glucose-6-phosphate dehydrogenase; minus strand). Cytogenetic location: Xq28.
Variant type: single nucleotide variant.
Coding change: c.1073G>T on transcript NM_001360016.2 (MANE Select); coding-DNA position 1073, G replaced by T.
Protein change: p.Cys358Phe; replaces cysteine 358 with phenylalanine.
Molecular consequence: missense variant.
Genome position (GRCh38, 1-based): chrX:154,532,781, C>A on the plus strand (G>T on the coding strand, the complement: G6PD is on the minus strand). VCF-style: chrX-154532781-C-A. GRCh37 (hg19) VCF-style: chrX-153760996-C-A.
Other names: c.1163G>T, p.Cys388Phe (NM_000402.4); c.1073G>T, p.Cys358Phe (NM_001042351.3); short protein forms C358F, C388F.
Identifiers: ClinVar variation 5020888 (VCV005020888.1).